The following is an entry in ClinVar:

NM_021975.4(RELA):c.1457C>G (p.Pro486Arg)

Gene: RELA (RELA proto-oncogene, NF-kB subunit; minus strand). Cytogenetic location: 11q13.1.
Variant type: single nucleotide variant.
Coding change: c.1457C>G on transcript NM_021975.4 (MANE Select); coding-DNA position 1457, C replaced by G.
Protein change: p.Pro486Arg; replaces proline 486 with arginine.
Molecular consequence: missense variant. On other transcripts: intron variant (1).
Genome position (GRCh38, 1-based): chr11:65,654,577, G>C on the plus strand (C>G on the coding strand, the complement: RELA is on the minus strand). VCF-style: chr11-65654577-G-C. GRCh37 (hg19) VCF-style: chr11-65422048-G-C.
Other names: c.1448C>G, p.Pro483Arg (NM_001145138.2); c.1250C>G, p.Pro417Arg (NM_001243984.2); c.1490C>G, p.Pro497Arg (NM_001404657.1); c.1430C>G, p.Pro477Arg (NM_001404658.1); c.1244C>G, p.Pro415Arg (NM_001404659.1); c.1139C>G, p.Pro380Arg (NM_001404660.1); c.1076C>G, p.Pro359Arg (NM_001404661.1); c.1364C>G, p.Pro455Arg (NM_001404662.1, NM_001404663.1); and 1 more; short protein forms P380R, P417R, P455R, P486R, P359R, P483R, P477R, P415R.
Identifiers: ClinVar variation 4781894 (VCV004781894.1).

ClinVar aggregate classification (germline): Uncertain significance (1 of 4 stars; one submission).

gnomAD v4.1: 5 of 1,613,564 alleles (0.00031%); highest among the groups gnomAD compares: Non-Finnish European, 0.00042%; no homozygotes.

Submission:

Labcorp Genetics (formerly Invitae), Labcorp
Classification: Uncertain significance. Last evaluated: 2025-09-27. Review status: criteria provided, single submitter. Criteria: Invitae Variant Classification Sherloc (09022015). Collection method: clinical testing. Allele origin: germline.
Comment: This sequence change replaces proline, which is neutral and non-polar, with arginine, which is basic and polar, at codon 486 of the RELA protein (p.Pro486Arg). This variant is not present in population databases (gnomAD no frequency). This variant has not been reported in the literature in individuals affected with RELA-related conditions. An algorithm developed to predict the effect of missense changes on protein structure and function (PolyPhen-2) suggests that this variant is likely to be tolerated. In summary, the available evidence is currently insufficient to determine the role of this variant in disease. Therefore, it has been classified as a Variant of Uncertain Significance.